The following is an entry in ClinVar:

NM_001368809.2(AMPD2):c.582C>T (p.Leu194=)

Gene: AMPD2 (adenosine monophosphate deaminase 2; plus strand). Cytogenetic location: 1p13.3.
Variant type: single nucleotide variant.
Coding change: c.582C>T on transcript NM_001368809.2 (MANE Select); coding-DNA position 582, C replaced by T.
Protein change: p.Leu194=; no amino-acid change (leucine 194 retained).
Molecular consequence: synonymous variant.
Genome position (GRCh38, 1-based): chr1:109,626,776, C>T. VCF-style: chr1-109626776-C-T. GRCh37 (hg19) VCF-style: chr1-110169398-C-T.
Other names: c.390C>T, p.Leu130= (NM_001257361.2); c.519C>T, p.Leu173= (NM_001308170.1); c.582C>T, p.Leu194= (NM_004037.9); c.501C>T, p.Leu167= (NM_139156.4); c.744C>T (NM_001257360.1).
Identifiers: ClinVar variation 706575 (VCV000706575.33), dbSNP rs144177097, ClinGen allele CA992846.

ClinVar aggregate classification (germline): Likely benign. Review status: criteria provided, multiple submitters, no conflicts (2 of 4 stars). 3 submissions from 3 submitters: Likely benign (3). Last evaluated 2026-01-28.

Conditions:
Pontocerebellar hypoplasia type 9. Identifiers: Orphanet 369920, MedGen C4014354, MONDO:0014351, OMIM 615809.
Hereditary spastic paraplegia 63. Also called: Spastic paraplegia 63, autosomal recessive. Identifiers: Orphanet 401805, MedGen C3810295, MONDO:0014305, OMIM 615686.

Allele frequency attached by ClinVar (database versions not stated): TOPMed 0.00015; gnomAD 0.00016; gnomAD exomes 0.00023 and 0.00027; ExAC 0.00031; ESP Exome Variant Server 0.00031.
gnomAD v4.1: 431 of 1,613,694 alleles (0.027%); highest among the groups gnomAD compares: Non-Finnish European, 0.033%; no homozygotes.

Submissions (3):

Labcorp Genetics (formerly Invitae), Labcorp
Classification: Likely benign for Pontocerebellar hypoplasia type 9; Hereditary spastic paraplegia 63. Last evaluated: 2026-01-28. Review status: criteria provided, single submitter. Criteria: Invitae Variant Classification Sherloc (09022015). Collection method: clinical testing. Allele origin: germline.

Blueprint Genetics
Classification: Likely benign. Last evaluated: 2024-09-10. Review status: criteria provided, single submitter. Criteria: ACMG Guidelines, 2015. Collection method: clinical testing. Allele origin: germline.

CeGaT Center for Human Genetics Tuebingen
Classification: Likely benign. Last evaluated: 2022-07-01. Review status: criteria provided, single submitter. Criteria: CeGaT Center For Human Genetics Tuebingen Variant Classification Criteria Version 2. Collection method: clinical testing. Allele origin: germline. Affected: yes. Observed: 1 variant allele.
Comment: AMPD2: BP4, BP7